The following is an entry in ClinVar:

NM_025179.4(PLXNA2):c.1993T>G (p.Cys665Gly)

Gene: PLXNA2 (plexin A2; minus strand). Cytogenetic location: 1q32.2.
Variant type: single nucleotide variant.
Coding change: c.1993T>G on transcript NM_025179.4 (MANE Select); coding-DNA position 1993, T replaced by G.
Protein change: p.Cys665Gly; replaces cysteine 665 with glycine.
Molecular consequence: missense variant.
Genome position (GRCh38, 1-based): chr1:208,092,890, A>C on the plus strand (T>G on the coding strand, the complement: PLXNA2 is on the minus strand). VCF-style: chr1-208092890-A-C. GRCh37 (hg19) VCF-style: chr1-208266235-A-C.
Other names: short protein forms C665G.
Identifiers: ClinVar variation 3344421 (VCV003344421.1).

ClinVar aggregate classification (germline): Uncertain significance (0 of 4 stars; one submission).

Conditions:
PLXNA2-related disorder. Also called: PLXNA2-related condition.

Submission:

PreventionGenetics, part of Exact Sciences
Classification: Uncertain significance for PLXNA2-related condition. Last evaluated: 2024-05-29. Review status: no assertion criteria provided. Collection method: clinical testing. Allele origin: germline.
Comment: The PLXNA2 c.1993T>G variant is predicted to result in the amino acid substitution p.Cys665Gly. To our knowledge, this variant has not been reported in the literature or in a large population database, indicating this variant is rare. At this time, the clinical significance of this variant is uncertain due to the absence of conclusive functional and genetic evidence.